The following is an entry in ClinVar:

ClinVar aggregate classification (germline): Uncertain significance. Review status: criteria provided, multiple submitters, no conflicts (2 of 4 stars). 3 submissions from 3 submitters: Uncertain significance (3). Last evaluated 2024-08-19.

Conditions:
Cardiomyopathy (CMYO). Also called: Cardiomyopathies. Identifiers: Orphanet 167848, MedGen C0878544, MONDO:0004994, HP:0001638. Inheritance: Various modes of inheritance.
Cardiovascular phenotype. Identifiers: MedGen CN230736.
Arrhythmogenic cardiomyopathy with wooly hair and keratoderma. Also called: PALMOPLANTAR KERATODERMA WITH LEFT VENTRICULAR CARDIOMYOPATHY AND WOOLLY HAIR; Carvajal syndrome; Dilated cardiomyopathy with woolly hair and keratoderma; Arrhythmogenic cardiomyopathy with woolly hair and keratoderma. Identifiers: Orphanet 65282, MedGen C1854063, MONDO:0011581, OMIM 605676.

Allele frequency attached by ClinVar (database versions not stated): ExAC 0.00001.
gnomAD v4.1: 2 of 1,614,058 alleles (0.00012%); highest among the groups gnomAD compares: Non-Finnish European, 0.00017%; no homozygotes.

Submissions (3):

Color Diagnostics, LLC DBA Color Health
Classification: Uncertain significance for Cardiomyopathy. Last evaluated: 2024-08-19. Review status: criteria provided, single submitter. Criteria: ACMG Guidelines, 2015. Collection method: clinical testing. Allele origin: germline.
Comment: This missense variant replaces arginine with threonine at codon 1896 of the DSP protein. Computational prediction suggests that this variant may not impact protein structure and function. To our knowledge, functional studies have not been reported for this variant. This variant has not been reported in individuals affected with DSP-related disorders in the literature. This variant has been identified in 1/251158 chromosomes in the general population by the Genome Aggregation Database (gnomAD). The available evidence is insufficient to determine the role of this variant in disease conclusively. Therefore, this variant is classified as a Variant of Uncertain Significance.

Ambry Genetics
Classification: Uncertain significance for Cardiovascular phenotype. Last evaluated: 2023-11-01. Review status: criteria provided, single submitter. Criteria: Ambry Variant Classification Scheme 2023. Collection method: clinical testing. Allele origin: germline.
Comment: The p.R1896T variant (also known as c.5687G>C), located in coding exon 24 of the DSP gene, results from a G to C substitution at nucleotide position 5687. The arginine at codon 1896 is replaced by threonine, an amino acid with similar properties. This amino acid position is conserved. In addition, this alteration is predicted to be tolerated by in silico analysis. Since supporting evidence is limited at this time, the clinical significance of this alteration remains unclear.

All of Us Research Program, National Institutes of Health
Classification: Uncertain significance for Arrhythmogenic cardiomyopathy with wooly hair and keratoderma. Last evaluated: 2023-09-17. Review status: criteria provided, single submitter. Criteria: ACMG Guidelines, 2015. Collection method: clinical testing. Allele origin: germline. Inheritance: Autosomal dominant inheritance. Observed: 1 variant allele, 1 heterozygote.
Comment: This missense variant replaces arginine with threonine at codon 1896 of the DSP protein. Computational prediction suggests that this variant may not impact protein structure and function (internally defined REVEL score threshold <= 0.5, PMID: 27666373). To our knowledge, functional studies have not been reported for this variant. This variant has not been reported in individuals affected with DSP-related disorders in the literature. This variant has been identified in 1/251158 chromosomes in the general population by the Genome Aggregation Database (gnomAD). The available evidence is insufficient to determine the role of this variant in disease conclusively. Therefore, this variant is classified as a Variant of Uncertain Significance.

This study involves interpretation of variants in research participants for the purpose of population health screening. Participant phenotype was not available at the time of variant classification. Additional details can be found in publication PMID: 35346344, PMCID: PMC8962531

NM_004415.4(DSP):c.5687G>C (p.Arg1896Thr)

Gene: DSP (desmoplakin; plus strand). Cytogenetic location: 6p24.3.
Variant type: single nucleotide variant.
Coding change: c.5687G>C on transcript NM_004415.4 (MANE Select); coding-DNA position 5687, G replaced by C.
Protein change: p.Arg1896Thr; replaces arginine 1896 with threonine.
Molecular consequence: missense variant.
Genome position (GRCh38, 1-based): chr6:7,582,949, G>C. VCF-style: chr6-7582949-G-C. GRCh37 (hg19) VCF-style: chr6-7583182-G-C.
Other names: c.3890G>C, p.Arg1297Thr (NM_001008844.3); c.4358G>C, p.Arg1453Thr (NM_001319034.2); short protein forms R1297T, R1453T, R1896T.
Identifiers: ClinVar variation 3073499 (VCV003073499.3), dbSNP rs766335041, ClinGen allele CA045561.